The following is an entry in ClinVar:

ClinVar aggregate classification (germline): Conflicting classifications of pathogenicity. Review status: criteria provided, conflicting classifications (1 of 4 stars). 2 submissions from 2 submitters: Uncertain significance (1); Likely benign (1). Last evaluated 2023-10-30.

Conditions:
Holoprosencephaly 11 (HPE11). Identifiers: Orphanet 2162, MedGen C3280215, MONDO:0013642, OMIM 614226.
Inborn genetic diseases. Identifiers: MedGen C0950123, MeSH D030342.

Allele frequency attached by ClinVar (database versions not stated): ExAC 0.00002; TOPMed 0.00003.
gnomAD v4.1: 52 of 1,613,798 alleles (0.0032%); highest among the groups gnomAD compares: Admixed American, 0.023%; no homozygotes.

Submissions (2):

Ambry Genetics
Classification: Likely benign for Inborn genetic diseases. Last evaluated: 2023-10-30. Review status: criteria provided, single submitter. Criteria: Ambry Variant Classification Scheme 2023. Collection method: clinical testing. Allele origin: germline.

Labcorp Genetics (formerly Invitae), Labcorp
Classification: Uncertain significance for Holoprosencephaly 11. Last evaluated: 2023-03-16. Review status: criteria provided, single submitter. Criteria: Invitae Variant Classification Sherloc (09022015). Collection method: clinical testing. Allele origin: germline.
Comment: ClinVar contains an entry for this variant (Variation ID: 2147303). This sequence change replaces glutamic acid, which is acidic and polar, with alanine, which is neutral and non-polar, at codon 34 of the CDON protein (p.Glu34Ala). This variant is present in population databases (rs776289358, gnomAD 0.01%). This variant has not been reported in the literature in individuals affected with CDON-related conditions. An algorithm developed to predict the effect of missense changes on protein structure and function (PolyPhen-2) suggests that this variant is likely to be disruptive. In summary, the available evidence is currently insufficient to determine the role of this variant in disease. Therefore, it has been classified as a Variant of Uncertain Significance.

NM_001378964.1(CDON):c.101A>C (p.Glu34Ala)

Gene: CDON (cell adhesion associated, oncogene regulated; minus strand). Cytogenetic location: 11q24.2.
Variant type: single nucleotide variant.
Coding change: c.101A>C on transcript NM_001378964.1 (MANE Select); coding-DNA position 101, A replaced by C.
Protein change: p.Glu34Ala; replaces glutamic acid 34 with alanine.
Molecular consequence: missense variant.
Genome position (GRCh38, 1-based): chr11:126,021,496, T>G on the plus strand (A>C on the coding strand, the complement: CDON is on the minus strand). VCF-style: chr11-126021496-T-G. GRCh37 (hg19) VCF-style: chr11-125891391-T-G.
Other names: c.101A>C, p.Glu34Ala (NM_001243597.3, NM_016952.6); short protein forms E34A.
Identifiers: ClinVar variation 2147303 (VCV002147303.4), dbSNP rs776289358, ClinGen allele CA6352413.